The following is an entry in ClinVar:

NM_001277062.2(MFF):c.-40-862_-40-861delinsTT

Gene: MFF (mitochondrial fission factor; plus strand). Cytogenetic location: 2q36.3.
Variant type: Indel.
Coding change: c.-40-862_-40-861delinsTT on transcript NM_001277062.2 (MANE Select); 862 bases into the intron before 40 bases upstream of the start codon through 861 bases into the intron before 40 bases upstream of the start codon, AG replaced by TT.
Molecular consequence: intron variant. On other transcripts: missense variant (2), 5 prime UTR variant (1).
Genome position (GRCh38, 1-based): chr2:227,329,764-227,329,765, AG replaced by TT. VCF-style: chr2-227329764-AG-TT. GRCh37 (hg19) VCF-style: chr2-228194480-AG-TT.
Other names: c.19_20delinsTT, p.Ser7Phe (NM_001277061.2, NM_020194.5); c.-55_-54delinsTT (NM_001277067.1); c.-40-862_-40-861delinsTT (NM_001277063.2, NM_001277064.2, NM_001277065.2 and 2 more transcripts); short protein forms S7F.
Identifiers: ClinVar variation 982113 (VCV000982113.12), dbSNP rs386655869, ClinGen allele CA66638547.

ClinVar aggregate classification (germline): Benign. Review status: criteria provided, multiple submitters, no conflicts (2 of 4 stars). 4 submissions from 4 submitters: Benign (4). Last evaluated 2026-05-01.

Submissions (4):

CeGaT Center for Human Genetics Tuebingen
Classification: Benign. Last evaluated: 2026-05-01. Review status: criteria provided, single submitter. Criteria: CeGaT Center For Human Genetics Tuebingen Variant Classification Criteria Version 2. Collection method: clinical testing. Allele origin: germline. Affected: yes. Observed: 2 variant alleles.
Comment: MFF: BS1, BS2

Labcorp Genetics (formerly Invitae), Labcorp
Classification: Benign. Last evaluated: 2026-02-03. Review status: criteria provided, single submitter. Criteria: Invitae Variant Classification Sherloc (09022015). Collection method: clinical testing. Allele origin: germline.

GeneDx
Classification: Benign. Last evaluated: 2016-02-08. Review status: criteria provided, single submitter. Criteria: GeneDx Variant Classification Process June 2021. Collection method: clinical testing. Allele origin: germline. Affected: yes.

Pathology and Clinical Laboratory Medicine, King Fahad Medical City
Classification: Benign. Review status: criteria provided, single submitter. Criteria: ACMG Guidelines, 2015. Collection method: clinical testing. Allele origin: germline. Affected: no. Observed: 516 variant alleles.